The following is an entry in ClinVar:

ClinVar aggregate classification (germline): Uncertain significance (1 of 4 stars; one submission).

Conditions:
Familial adenomatous polyposis 1 (FAP1). Also called: FAMILIAL ADENOMATOUS POLYPOSIS 1, ATTENUATED; POLYPOSIS, ADENOMATOUS INTESTINAL. Identifiers: MedGen C2713442, MONDO:0021056, OMIM 175100. Disease mechanism: loss of function.

Allele frequency attached by ClinVar (database versions not stated): TOPMed below 0.00001.

Submission:

Labcorp Genetics (formerly Invitae), Labcorp
Classification: Uncertain significance for Familial adenomatous polyposis 1. Last evaluated: 2023-11-21. Review status: criteria provided, single submitter. Criteria: Invitae Variant Classification Sherloc (09022015). Collection method: clinical testing. Allele origin: germline.
Comment: This variant occurs in a non-coding region of the APC gene. It does not change the encoded amino acid sequence of the APC protein. This variant is not present in population databases (gnomAD no frequency). This variant has not been reported in the literature in individuals affected with APC-related conditions. Experimental studies and prediction algorithms are not available or were not evaluated, and the functional significance of this variant is currently unknown. In summary, the available evidence is currently insufficient to determine the role of this variant in disease. Therefore, it has been classified as a Variant of Uncertain Significance.

NM_001127511.3(APC):c.-210C>T

Genes: APC (APC regulator of Wnt signaling pathway; plus strand), LOC129994371 (ATAC-STARR-seq lymphoblastoid active region 22910; plus strand). Cytogenetic location: 5q22.2.
Variant type: single nucleotide variant.
Coding change: c.-210C>T on transcript NM_001127511.3; 210 bases upstream of the start codon, C replaced by T.
Molecular consequence: 5 prime UTR variant. On other transcripts: non-coding transcript variant (2).
Genome position (GRCh38, 1-based): chr5:112,707,508, C>T. VCF-style: chr5-112707508-C-T. GRCh37 (hg19) VCF-style: chr5-112043205-C-T.
Other names: c.-393C>T (NM_001354895.2, NM_001407447.1, NM_001407452.1 and 3 more transcripts); c.-210C>T (NM_001354897.2, NM_001354902.2, NM_001407446.1); c.-160C>T (NM_001407448.1, NM_001407450.1, NM_001407457.1 and 1 more transcripts); c.-184C>T (NM_001407453.1); c.-1428C>T (NM_001407470.1, NM_001407472.1).
Identifiers: ClinVar variation 1053776 (VCV001053776.7), dbSNP rs1401205872, ClinGen allele CA802057013.